The following is an entry in ClinVar:

NM_024577.4(SH3TC2):c.3847G>T (p.Gly1283Cys)

Gene: SH3TC2 (SH3 domain and tetratricopeptide repeats 2; minus strand). Cytogenetic location: 5q32.
Variant type: single nucleotide variant.
Coding change: c.3847G>T on transcript NM_024577.4 (MANE Select); coding-DNA position 3847, G replaced by T.
Protein change: p.Gly1283Cys; replaces glycine 1283 with cysteine.
Molecular consequence: missense variant.
Genome position (GRCh38, 1-based): chr5:149,004,731, C>A on the plus strand (G>T on the coding strand, the complement: SH3TC2 is on the minus strand). VCF-style: chr5-149004731-C-A. GRCh37 (hg19) VCF-style: chr5-148384294-C-A.
Other names: p.Gly1283Cys; short protein forms G1283C.
Identifiers: ClinVar variation 655809 (VCV000655809.48), dbSNP rs370844006, ClinGen allele CA3498612.

ClinVar aggregate classification (germline): Uncertain significance. Review status: criteria provided, multiple submitters, no conflicts (2 of 4 stars). 4 submissions from 4 submitters: Uncertain significance (4). Last evaluated 2023-02-05.

Conditions:
Charcot-Marie-Tooth disease. Also called: Charcot-Marie-Tooth Hereditary Neuropathy; Charcot-Marie-Tooth Neuropathy. Identifiers: Orphanet 166, MedGen C0007959, MONDO:0015626.
Charcot-Marie-Tooth disease type 4. Also called: Charcot-Marie-Tooth, Type 4; Charcot-Marie-Tooth disease, type IV. Identifiers: Orphanet 64749, MedGen C4082197, MONDO:0018995.

Allele frequency attached by ClinVar (database versions not stated): gnomAD exomes below 0.00001; ExAC 0.00002; TOPMed 0.00003; ESP Exome Variant Server 0.00008.
gnomAD v4.1: 7 of 1,613,410 alleles (0.00043%); highest among the groups gnomAD compares: Middle Eastern, 0.018%; no homozygotes.

Submissions (4):

Mayo Clinic Laboratories, Mayo Clinic
Classification: Uncertain significance. Last evaluated: 2023-02-05. Review status: criteria provided, single submitter. Criteria: ACMG Guidelines, 2015. Collection method: clinical testing. Allele origin: germline. Observed: 1 variant allele.

Labcorp Genetics (formerly Invitae), Labcorp
Classification: Uncertain significance for Charcot-Marie-Tooth disease type 4. Last evaluated: 2022-10-05. Review status: criteria provided, single submitter. Criteria: Invitae Variant Classification Sherloc (09022015). Collection method: clinical testing. Allele origin: germline.
Comment: This sequence change replaces glycine, which is neutral and non-polar, with cysteine, which is neutral and slightly polar, at codon 1283 of the SH3TC2 protein (p.Gly1283Cys). This variant is present in population databases (rs370844006, gnomAD 0.002%). This missense change has been observed in individual(s) with clinical features of SH3TC2-related conditions (PMID: 32376792). ClinVar contains an entry for this variant (Variation ID: 655809). Advanced modeling of protein sequence and biophysical properties (such as structural, functional, and spatial information, amino acid conservation, physicochemical variation, residue mobility, and thermodynamic stability) performed at Invitae indicates that this missense variant is not expected to disrupt SH3TC2 protein function. In summary, the available evidence is currently insufficient to determine the role of this variant in disease. Therefore, it has been classified as a Variant of Uncertain Significance.

CeGaT Center for Human Genetics Tuebingen
Classification: Uncertain significance. Last evaluated: 2019-05-01. Review status: criteria provided, single submitter. Criteria: CeGaT Center For Human Genetics Tuebingen Variant Classification Criteria Version 2. Collection method: clinical testing. Allele origin: germline. Affected: yes. Observed: 1 variant allele.

Molecular Genetics Laboratory, London Health Sciences Centre
Classification: Uncertain significance for Charcot-Marie-Tooth disease. Review status: criteria provided, single submitter. Criteria: ACMG Guidelines, 2015. Collection method: clinical testing. Allele origin: germline. Affected: yes.

Literature cited by the submitters: PubMed 32376792 (cited by Mayo Clinic Laboratories, Mayo Clinic and Labcorp Genetics (formerly Invitae), Labcorp).